The following is an entry in ClinVar:

ClinVar aggregate classification (germline): Uncertain significance. Review status: criteria provided, multiple submitters, no conflicts (2 of 4 stars). 4 submissions from 4 submitters: Uncertain significance (4). Last evaluated 2026-10-01.

Conditions:
Cardiovascular phenotype. Identifiers: MedGen CN230736.
RASopathy. Also called: rasopathies; Noonan spectrum disorder. Identifiers: Orphanet 536391, MedGen C5555857, MONDO:0021060.
Noonan syndrome 1 (NS1). Also called: PTPN11-Related Noonan Syndrome; FEMALE PSEUDO-TURNER SYNDROME; TURNER PHENOTYPE WITH NORMAL KARYOTYPE. Identifiers: Orphanet 648, MedGen C4551602, MONDO:0008104, OMIM 163950. Disease mechanism: gain of function.

Allele frequency attached by ClinVar (database versions not stated): gnomAD exomes below 0.00001 and 0.00001; ExAC 0.00001; TOPMed 0.00001; gnomAD 0.00002.
gnomAD v4.1: 8 of 1,611,672 alleles (0.0005%); highest among the groups gnomAD compares: South Asian, 0.0022%; no homozygotes.

Submissions (4):

St. Jude Molecular Pathology, St. Jude Children's Research Hospital
Classification: Uncertain significance for Noonan syndrome 1. Last evaluated: 2026-10-01. Review status: criteria provided, single submitter. Criteria: St. Jude Assertion Criteria 2020. Collection method: clinical testing. Allele origin: germline.
Comment: The PTPN11 c.1162G>A p.(Val388Ile) missense change has a maximum subpopulation frequency of 0.007% in gnomAD v2.1.1. The in silico tool REVEL is inconclusive about a pathogenic or benign effect of this variant on protein function, and to our knowledge functional studies have not been performed. To our knowledge, this variant has not been reported in individuals with RASopathy conditions. In summary, the evidence currently availab le is insufficient to determine the clinical significance of this variant. It has therefore been classified as of uncertain significance.

Labcorp Genetics (formerly Invitae), Labcorp
Classification: Uncertain significance for RASopathy. Last evaluated: 2025-11-13. Review status: criteria provided, single submitter. Criteria: Invitae Variant Classification Sherloc (09022015). Collection method: clinical testing. Allele origin: germline.
Comment: This sequence change replaces valine, which is neutral and non-polar, with isoleucine, which is neutral and non-polar, at codon 388 of the PTPN11 protein (p.Val388Ile). This variant is present in population databases (rs749523268, gnomAD 0.006%). This variant has not been reported in the literature in individuals affected with PTPN11-related conditions. ClinVar contains an entry for this variant (Variation ID: 372618). Invitae Evidence Modeling of protein sequence and biophysical properties (such as structural, functional, and spatial information, amino acid conservation, physicochemical variation, residue mobility, and thermodynamic stability) indicates that this missense variant is not expected to disrupt PTPN11 protein function with a negative predictive value of 80%. In summary, the available evidence is currently insufficient to determine the role of this variant in disease. Therefore, it has been classified as a Variant of Uncertain Significance.

Ambry Genetics
Classification: Uncertain significance for Cardiovascular phenotype. Last evaluated: 2021-04-21. Review status: criteria provided, single submitter. Criteria: Ambry Variant Classification Scheme 2023. Collection method: clinical testing. Allele origin: germline.
Comment: The p.V388I variant (also known as c.1162G>A), located in coding exon 10 of the PTPN11 gene, results from a G to A substitution at nucleotide position 1162. The valine at codon 388 is replaced by isoleucine, an amino acid with highly similar properties. This amino acid position is highly conserved in available vertebrate species. In addition, the in silico prediction for this alteration is inconclusive. Since supporting evidence is limited at this time, the clinical significance of this alteration remains unclear.

GeneDx
Classification: Uncertain significance. Last evaluated: 2015-06-02. Review status: criteria provided, single submitter. Criteria: GeneDx Variant Classification (06012015). Collection method: clinical testing. Allele origin: germline. Affected: yes.
Comment: The V388I variant has not been published as a pathogenic variant, nor has it been reported as a benign polymorphism to our knowledge. The V388I variant was not observed in approximately 6500 individuals of European and African American ancestry in the NHLBI Exome Sequencing Project, indicating it is not a common benign variant in these populations. The V388I variant is a conservative amino acid substitution, which is not likely to impact secondary protein structure as these residues share similar properties. This substitution occurs at a position that is conserved across species, within the tyrosine-protein phosphatase domain. In silico analysis is inconsistent in its predictions as to whether or not the variant is damaging to the protein structure/function. Therefore, based on the currently available information, it is unclear whether this variant is a pathogenic variant or a rare benign variant.

NM_002834.5(PTPN11):c.1162G>A (p.Val388Ile)

Gene: PTPN11 (protein tyrosine phosphatase non-receptor type 11; plus strand). Cytogenetic location: 12q24.13.
Variant type: single nucleotide variant.
Coding change: c.1162G>A on transcript NM_002834.5 (MANE Select); coding-DNA position 1162, G replaced by A.
Protein change: p.Val388Ile; replaces valine 388 with isoleucine.
Molecular consequence: missense variant.
Genome position (GRCh38, 1-based): chr12:112,482,143, G>A. VCF-style: chr12-112482143-G-A. GRCh37 (hg19) VCF-style: chr12-112919947-G-A.
Other names: c.1162G>A, p.Val388Ile (NM_001330437.2, NM_080601.3); c.1159G>A, p.Val387Ile (NM_001374625.1); c.1162G>A (NM_002834.4); short protein forms V388I, V387I.
Identifiers: ClinVar variation 372618 (VCV000372618.8), dbSNP rs749523268, ClinGen allele CA6798731.